The following is an entry in ClinVar:

NM_000489.6(ATRX):c.4133A>G (p.Asp1378Gly)

Gene: ATRX (ATRX chromatin remodeler; minus strand). Cytogenetic location: Xq21.1.
Variant type: single nucleotide variant.
Coding change: c.4133A>G on transcript NM_000489.6 (MANE Select); coding-DNA position 4133, A replaced by G.
Protein change: p.Asp1378Gly; replaces aspartic acid 1378 with glycine.
Molecular consequence: missense variant.
Genome position (GRCh38, 1-based): chrX:77,656,641, T>C on the plus strand (A>G on the coding strand, the complement: ATRX is on the minus strand). VCF-style: chrX-77656641-T-C. GRCh37 (hg19) VCF-style: chrX-76912131-T-C.
Other names: c.4019A>G, p.Asp1340Gly (NM_138270.5); short protein forms D1340G, D1378G.
Identifiers: ClinVar variation 4537987 (VCV004537987.1).

ClinVar aggregate classification (germline): Uncertain significance (1 of 4 stars; one submission).

Submission:

GeneDx
Classification: Uncertain significance. Last evaluated: 2025-06-02. Review status: criteria provided, single submitter. Criteria: GeneDx Variant Classification Process June 2021. Collection method: clinical testing. Allele origin: germline. Affected: yes.
Comment: Not observed at significant frequency in large population cohorts (gnomAD); In silico analysis supports that this missense variant has a deleterious effect on protein structure/function; Has not been previously published as pathogenic or benign to our knowledge